The following is an entry in ClinVar:

ClinVar aggregate classification (germline): Pathogenic/Likely pathogenic. Review status: criteria provided, multiple submitters, no conflicts (2 of 4 stars). 2 submissions from 2 submitters: Pathogenic (1); Likely pathogenic (1). Last evaluated 2023-12-10.

Conditions:
ALPK3-related autosomal dominant hypertrophic cardiomyopathy.
Cardiovascular phenotype. Identifiers: MedGen CN230736.

Submissions (2):

Ambry Genetics
Classification: Pathogenic for Cardiovascular phenotype. Last evaluated: 2023-12-10. Review status: criteria provided, single submitter. Criteria: Ambry Variant Classification Scheme 2023. Collection method: clinical testing. Allele origin: germline.
Comment: The c.3896_3898delCTGinsTTT pathogenic mutation (also known as p.P1299_E1300delinsL*), located in coding exon 6 of the ALPK3 gene, results from an in-frame deletion of CTG and insertion of TTT at nucleotide positions 3896 to 3898. This results in the deletion of the proline and glutamic acid residues at codons 1299 and 1300, and the insertion of a leucine residue followed by a stop codon within coding exon 6. This variant is considered to be rare based on population cohorts in the Genome Aggregation Database (gnomAD). This alteration is expected to result in loss of function by premature protein truncation or nonsense-mediated mRNA decay. As such, this alteration is interpreted as a disease-causing mutation.

Clinical Genetics Service, Universitary Hospital 12 de Octubre
Classification: Likely pathogenic for ALPK3-related autosomal dominant hypertrophic cardiomyopathy. Review status: criteria provided, single submitter. Criteria: ACMG Guidelines, 2015. Collection method: clinical testing. Allele origin: germline. Affected: yes.

NM_020778.5(ALPK3):c.3290_3292delinsTTT (p.Pro1097_Glu1098delinsLeuTer)

Gene: ALPK3 (alpha kinase 3; plus strand). Cytogenetic location: 15q25.3.
Variant type: Indel.
Coding change: c.3290_3292delinsTTT on transcript NM_020778.5 (MANE Select); coding-DNA positions 3290 to 3292, CTG replaced by TTT.
Protein change: p.Pro1097_Glu1098delinsLeuTer.
Molecular consequence: nonsense.
Genome position (GRCh38, 1-based): chr15:84,858,028-84,858,030, CTG replaced by TTT. VCF-style: chr15-84858028-CTG-TTT. GRCh37 (hg19) VCF-style: chr15-85401259-CTG-TTT.
Identifiers: ClinVar variation 3227476 (VCV003227476.2), dbSNP rs2505721674, ClinGen allele CA2825002308.